The following is an entry in ClinVar:

ClinVar aggregate classification (germline): Uncertain significance (1 of 4 stars; one submission).

Allele frequency attached by ClinVar (database versions not stated): gnomAD exomes below 0.00001.
gnomAD v4.1: 1 of 1,614,178 alleles (0.000062%); highest among the groups gnomAD compares: Non-Finnish European, 0.000085%; no homozygotes.

Submission:

Labcorp Genetics (formerly Invitae), Labcorp
Classification: Uncertain significance. Last evaluated: 2023-12-02. Review status: criteria provided, single submitter. Criteria: Invitae Variant Classification Sherloc (09022015). Collection method: clinical testing. Allele origin: germline.
Comment: This sequence change replaces serine, which is neutral and polar, with glycine, which is neutral and non-polar, at codon 368 of the RP1 protein (p.Ser368Gly). This variant is not present in population databases (gnomAD no frequency). This variant has not been reported in the literature in individuals affected with RP1-related conditions. Algorithms developed to predict the effect of missense changes on protein structure and function output the following: SIFT: "Not Available"; PolyPhen-2: "Benign"; Align-GVGD: "Not Available". The glycine amino acid residue is found in multiple mammalian species, which suggests that this missense change does not adversely affect protein function. In summary, the available evidence is currently insufficient to determine the role of this variant in disease. Therefore, it has been classified as a Variant of Uncertain Significance.

NM_006269.2(RP1):c.1102A>G (p.Ser368Gly)

Gene: RP1 (RP1 axonemal microtubule associated; plus strand). Cytogenetic location: 8q12.1.
Variant type: single nucleotide variant.
Coding change: c.1102A>G on transcript NM_006269.2 (MANE Select); coding-DNA position 1102, A replaced by G.
Protein change: p.Ser368Gly; replaces serine 368 with glycine.
Molecular consequence: missense variant. On other transcripts: intron variant (1).
Genome position (GRCh38, 1-based): chr8:54,624,984, A>G. VCF-style: chr8-54624984-A-G. GRCh37 (hg19) VCF-style: chr8-55537544-A-G.
Other names: c.787+2696A>G (NM_001375654.1); short protein forms S368G.
Identifiers: ClinVar variation 2801942 (VCV002801942.3), dbSNP rs2536567969, ClinGen allele CA370989296.
Genomic context (GRCh38, chr8:54,624,984, plus strand): 5'-AAATGGACAACTACTGTCAGTAAAACTGGTCCTTCTAATAATGATGAAAAGAGTGAGATG[A>G]GTTTTCCAGGAAGAACAGAAAGTCGATCATCTGGTTTAAAGCTTGCAGCATGTTCATTCT-3'
Protein context (NP_006260.1, residues 358-378): PSNNDEKSEM[Ser368Gly]FPGRTESRSS